The following is an entry in ClinVar:

NM_001376.5(DYNC1H1):c.3278T>C (p.Phe1093Ser)

Gene: DYNC1H1 (dynein cytoplasmic 1 heavy chain 1; plus strand). Cytogenetic location: 14q32.31.
Variant type: single nucleotide variant.
Coding change: c.3278T>C on transcript NM_001376.5 (MANE Select); coding-DNA position 3278, T replaced by C.
Protein change: p.Phe1093Ser; replaces phenylalanine 1093 with serine.
Molecular consequence: missense variant.
Genome position (GRCh38, 1-based): chr14:101,994,794, T>C. VCF-style: chr14-101994794-T-C. GRCh37 (hg19) VCF-style: chr14-102461131-T-C.
Other names: short protein forms F1093S.
Identifiers: ClinVar variation 449962 (VCV000449962.11), dbSNP rs1555408829, ClinGen allele CA391033272.

ClinVar aggregate classification (germline): Pathogenic. Review status: criteria provided, multiple submitters, no conflicts (2 of 4 stars). 3 submissions from 3 submitters: Pathogenic (2). 1 of the submissions does not count toward it. Last evaluated 2024-12-06.

Conditions:
DYNC1H1-related disorder. Also called: DYNC1H1-related condition; DYNC1H1-related disorders. Identifiers: MedGen CN381529.
Spinal muscular atrophy with lower extremity predominance. Also called: Autosomal dominant childhood-onset proximal spinal muscular atrophy. Identifiers: Orphanet 363447, MedGen C1834690, MONDO:0018190.
Charcot-Marie-Tooth disease axonal type 2O. Also called: CHARCOT-MARIE-TOOTH NEUROPATHY, AXONAL, TYPE 2O; CHARCOT-MARIE-TOOTH DISEASE, AXONAL, AUTOSOMAL DOMINANT, TYPE 2O; Charcot-Marie-Tooth Neuropathy Type 2O; Charcot-Marie-Tooth disease, axonal, type 20. Identifiers: Orphanet 284232, MedGen C3280220, MONDO:0013644, OMIM 614228.
Cortical dysplasia, complex, with other brain malformations 13. Also called: Intellectual disability, autosomal dominant 13. Identifiers: MedGen C3281202, MONDO:0013805, OMIM 614563.
Inborn genetic diseases. Identifiers: MedGen C0950123, MeSH D030342.

Submissions (3):

Ambry Genetics
Classification: Pathogenic for Inborn genetic diseases. Last evaluated: 2024-12-06. Review status: criteria provided, single submitter. Criteria: Ambry Variant Classification Scheme 2023. Collection method: clinical testing. Allele origin: germline.
Comment: The c.3278T>C (p.F1093S) alteration is located in exon 13 (coding exon 13) of the DYNC1H1 gene. This alteration results from a T to C substitution at nucleotide position 3278, causing the phenylalanine (F) at amino acid position 1093 to be replaced by a serine (S). This variant was not reported in population-based cohorts in the Genome Aggregation Database (gnomAD). This variant was determined to be de novo in at least one individual with features consistent with DYNC1H1-related neurologic disorders (Helbig, 2016; Yang, 2021). This amino acid position is highly conserved in available vertebrate species. The p.F1093S amino acid is located within the stem domain (amino acids 53-1867), in the region responsible for DYNC1H1 dimerization (300-1140) (Willemsen, 2012). This alteration is predicted to be deleterious by in silico analysis. Based on the available evidence, this alteration is classified as pathogenic.

GeneDx
Classification: Pathogenic. Last evaluated: 2019-06-03. Review status: criteria provided, single submitter. Criteria: GeneDx Variant Classification Process June 2021. Collection method: clinical testing. Allele origin: germline. Affected: yes.
Comment: Not observed in large population cohorts (Lek et al., 2016); In silico analysis, which includes protein predictors and evolutionary conservation, supports a deleterious effect; This variant is associated with the following publications: (PMID: 26795593)

PreventionGenetics, part of Exact Sciences
Classification: Likely pathogenic for DYNC1H1-related condition. Last evaluated: 2023-11-14. Review status: no assertion criteria provided. Collection method: clinical testing. Allele origin: germline. Not counted in ClinVar's aggregate classification.
Comment: The DYNC1H1 c.3278T>C variant is predicted to result in the amino acid substitution p.Phe1093Ser. This variant has been reported as a de novo variant in patients with epileptic encephalopathy and infantile spasms (Helbig et al. 2016. PubMed ID: 26795593). This variant was also interpreted as pathogenic in ClinVar. This variant has not been reported in a large population database, indicating this variant is rare. This variant is interpreted as likely pathogenic.

Literature cited by the submitters: PubMed 22368300 (cited by Ambry Genetics); PubMed 26795593 (cited by Ambry Genetics); PubMed 34803881 (cited by Ambry Genetics).